The following is an entry in ClinVar:

ClinVar aggregate classification (germline): Benign/Likely benign. Review status: criteria provided, multiple submitters, no conflicts (2 of 4 stars). 3 submissions from 3 submitters: Benign (1); Likely benign (2). Last evaluated 2026-07-02.

Conditions:
Sessile serrated polyposis cancer syndrome (SSPCS). Identifiers: Orphanet 157798, MedGen C4310714, MONDO:0014919, OMIM 617108.

Allele frequency attached by ClinVar (database versions not stated): gnomAD exomes below 0.00001.
gnomAD v4.1: 2 of 1,614,078 alleles (0.00012%); highest among the groups gnomAD compares: Non-Finnish European, 0.00017%; no homozygotes.

Submissions (3):

Myriad Genetics, Inc.
Classification: Benign for Sessile serrated polyposis cancer syndrome. Last evaluated: 2026-07-02. Review status: criteria provided, single submitter. Criteria: Myriad Autosomal Dominant, Autosomal Recessive and X-Linked Classification Criteria (2023). Collection method: clinical testing. Allele origin: unknown.
Comment: This variant is considered benign. This variant is a silent/synonymous amino acid change and it is not expected to impact splicing.

Ambry Genetics
Classification: Likely benign. Last evaluated: 2025-02-28. Review status: criteria provided, single submitter. Criteria: Ambry Variant Classification Scheme 2023. Collection method: clinical testing. Allele origin: germline.

Labcorp Genetics (formerly Invitae), Labcorp
Classification: Likely benign. Last evaluated: 2021-06-21. Review status: criteria provided, single submitter. Criteria: Invitae Variant Classification Sherloc (09022015). Collection method: clinical testing. Allele origin: germline.

NM_017763.6(RNF43):c.2351G>A (p.Ter784=)

Gene: RNF43 (ring finger protein 43; minus strand). Cytogenetic location: 17q22.
Variant type: single nucleotide variant.
Coding change: c.2351G>A on transcript NM_017763.6 (MANE Select); coding-DNA position 2351, G replaced by A.
Protein change: p.Ter784=.
Molecular consequence: synonymous variant.
Genome position (GRCh38, 1-based): chr17:58,354,944, C>T on the plus strand (G>A on the coding strand, the complement: RNF43 is on the minus strand). VCF-style: chr17-58354944-C-T. GRCh37 (hg19) VCF-style: chr17-56432305-C-T.
Other names: c.2351G>A, p.Ter784= (NM_001305544.3); c.1970G>A, p.Ter657= (NM_001305545.2).
Identifiers: ClinVar variation 1648682 (VCV001648682.10), dbSNP rs2143364688, ClinGen allele CA501059862.